The following is an entry in ClinVar:

ClinVar aggregate classification (germline): Benign/Likely benign. Review status: criteria provided, multiple submitters, no conflicts (2 of 4 stars). 4 submissions from 4 submitters: Benign (1); Likely benign (2). 1 of the submissions does not count toward it. Last evaluated 2026-01-18.

Conditions:
Muscular dystrophy-dystroglycanopathy (congenital with brain and eye anomalies), type a, 11 (MDDGA11). Also called: Congenital muscular dystrophy-dystroglycanopathy with brain and eye anomalies, type A11; Muscular dystrophy-dystroglycanopathy (congenital with brain and eye anomalies, type A, 11; WALKER-WARBURG SYNDROME OR MUSCLE-EYE-BRAIN DISEASE, B3GALNT2-RELATED. Identifiers: Orphanet 588, Orphanet 899, MedGen C3554638, MONDO:0014071, OMIM 615181.
B3GALNT2-related disorder. Also called: B3GALNT2-related condition.

Allele frequency attached by ClinVar (database versions not stated): gnomAD 0.00004 and 0.00021; TOPMed 0.00006; ESP Exome Variant Server 0.00015; gnomAD exomes 0.00040 and 0.00070; ExAC 0.00079; 1000 Genomes Project 30x 0.00109; 1000 Genomes Project 0.00140.
gnomAD v4.1: 610 of 1,614,120 alleles (0.038%); highest among the groups gnomAD compares: South Asian, 0.57%; 12 homozygotes.

Submissions (4):

Labcorp Genetics (formerly Invitae), Labcorp
Classification: Benign for Muscular dystrophy-dystroglycanopathy (congenital with brain and eye anomalies), type a, 11. Last evaluated: 2026-01-18. Review status: criteria provided, single submitter. Criteria: Invitae Variant Classification Sherloc (09022015). Collection method: clinical testing. Allele origin: germline.

CeGaT Center for Human Genetics Tuebingen
Classification: Likely benign. Last evaluated: 2024-06-01. Review status: criteria provided, single submitter. Criteria: CeGaT Center For Human Genetics Tuebingen Variant Classification Criteria Version 2. Collection method: clinical testing. Allele origin: germline. Affected: yes. Observed: 2 variant alleles.
Comment: B3GALNT2: BP4, BS2

GeneDx
Classification: Likely benign. Last evaluated: 2018-12-05. Review status: criteria provided, single submitter. Criteria: GeneDx Variant Classification Process June 2021. Collection method: clinical testing. Allele origin: germline. Affected: yes.

PreventionGenetics, part of Exact Sciences
Classification: Likely benign for B3GALNT2-related condition. Last evaluated: 2023-05-05. Review status: no assertion criteria provided. Collection method: clinical testing. Allele origin: germline. Not counted in ClinVar's aggregate classification.
Comment: This variant is classified as likely benign based on ACMG/AMP sequence variant interpretation guidelines (Richards et al. 2015 PMID: 25741868, with internal and published modifications).

NM_152490.5(B3GALNT2):c.397G>A (p.Glu133Lys)

Gene: B3GALNT2 (beta-1,3-N-acetylgalactosaminyltransferase 2; minus strand). Cytogenetic location: 1q42.3.
Variant type: single nucleotide variant.
Coding change: c.397G>A on transcript NM_152490.5 (MANE Select); coding-DNA position 397, G replaced by A.
Protein change: p.Glu133Lys; replaces glutamic acid 133 with lysine.
Molecular consequence: missense variant.
Genome position (GRCh38, 1-based): chr1:235,484,480, C>T on the plus strand (G>A on the coding strand, the complement: B3GALNT2 is on the minus strand). VCF-style: chr1-235484480-C-T. GRCh37 (hg19) VCF-style: chr1-235647796-C-T.
Other names: c.520G>A, p.Glu174Lys (NM_001277155.3); short protein forms E133K, E174K.
Identifiers: ClinVar variation 473885 (VCV000473885.34), dbSNP rs146090744, ClinGen allele CA1464916.
Genomic context (GRCh38, chr1:235,484,480, plus strand): 5'-AGAGAACTCGGAAACTCACGCTGACAACTCGATCCTCAGGCAGCCCCGATGAAGTGTCTT[C>T]GGACAGACTGAACGCTTCAATTTCCTGATTCAAAACTAAGTAATGAGAACAGGTTTATAT-3'
Protein context (NP_689703.1, residues 123-143): NQEIEAFSLS[Glu133Lys]DTSSGLPEDR